The following is an entry in ClinVar:

ClinVar aggregate classification (germline): Uncertain significance (1 of 4 stars; one submission).

Submission:

Ambry Genetics
Classification: Uncertain significance. Last evaluated: 2026-09-07. Review status: criteria provided, single submitter. Criteria: Ambry Variant Classification Scheme 2023. Collection method: clinical testing. Allele origin: germline.
Comment: The p.M26T variant (also known as c.77T>C), located in coding exon 1 of the WNK2 gene, results from a T to C substitution at nucleotide position 77. The methionine at codon 26 is replaced by threonine, an amino acid with similar properties. This amino acid position is conserved. In addition, this alteration is predicted to be tolerated by in silico analysis. Based on the available evidence, the clinical significance of this variant remains unclear.

NM_006648.4(WNK2):c.77T>C (p.Met26Thr)

Gene: WNK2 (WNK lysine deficient protein kinase 2; plus strand). Cytogenetic location: 9q22.31.
Variant type: single nucleotide variant.
Coding change: c.77T>C on transcript NM_006648.4 (MANE Select); coding-DNA position 77, T replaced by C.
Protein change: p.Met26Thr; replaces methionine 26 with threonine.
Molecular consequence: missense variant.
Genome position (GRCh38, 1-based): chr9:93,185,006, T>C. VCF-style: chr9-93185006-T-C. GRCh37 (hg19) VCF-style: chr9-95947288-T-C.
Other names: c.77T>C, p.Met26Thr (NM_001282394.3); short protein forms M26T.
Identifiers: ClinVar variation 5031976 (VCV005031976.1).